The following is an entry in ClinVar:

ClinVar aggregate classification (germline): Uncertain significance (1 of 4 stars; one submission).

Conditions:
Short-rib thoracic dysplasia 6 with or without polydactyly (SRTD6). Also called: POLYDACTYLY WITH NEONATAL CHONDRODYSTROPHY, TYPE II; Majewski Syndrome; SHORT-RIB THORACIC DYSPLASIA 6 WITH POLYDACTYLY; SHORT-RIB THORACIC DYSPLASIA 6 WITHOUT POLYDACTYLY; SHORT RIB-POLYDACTYLY SYNDROME, TYPE IIA. Identifiers: MedGen C0024507, MONDO:0009894, OMIM 263520.

gnomAD v4.1: 5 of 1,521,424 alleles (0.00033%); highest among the groups gnomAD compares: Admixed American, 0.004%; no homozygotes.

Submission:

Labcorp Genetics (formerly Invitae), Labcorp
Classification: Uncertain significance for Short-rib thoracic dysplasia 6 with or without polydactyly. Last evaluated: 2022-07-28. Review status: criteria provided, single submitter. Criteria: Invitae Variant Classification Sherloc (09022015). Collection method: clinical testing. Allele origin: germline.
Comment: In summary, the available evidence is currently insufficient to determine the role of this variant in disease. Therefore, it has been classified as a Variant of Uncertain Significance. Advanced modeling of protein sequence and biophysical properties (such as structural, functional, and spatial information, amino acid conservation, physicochemical variation, residue mobility, and thermodynamic stability) performed at Invitae indicates that this missense variant is not expected to disrupt NEK1 protein function. This variant has not been reported in the literature in individuals affected with NEK1-related conditions. This variant is present in population databases (no rsID available, gnomAD 0.004%). This sequence change replaces aspartic acid, which is acidic and polar, with asparagine, which is neutral and polar, at codon 1215 of the NEK1 protein (p.Asp1215Asn).

NM_001199397.3(NEK1):c.3727G>A (p.Asp1243Asn)

Gene: NEK1 (NIMA related kinase 1; minus strand). Cytogenetic location: 4q33.
Variant type: single nucleotide variant.
Coding change: c.3727G>A on transcript NM_001199397.3 (MANE Select); coding-DNA position 3727, G replaced by A.
Protein change: p.Asp1243Asn; replaces aspartic acid 1243 with asparagine.
Molecular consequence: missense variant. On other transcripts: non-coding transcript variant (1).
Genome position (GRCh38, 1-based): chr4:169,400,345, C>T on the plus strand (G>A on the coding strand, the complement: NEK1 is on the minus strand). VCF-style: chr4-169400345-C-T. GRCh37 (hg19) VCF-style: chr4-170321496-C-T.
Other names: c.3595G>A, p.Asp1199Asn (NM_001199398.3); c.3436G>A, p.Asp1146Asn (NM_001199399.3); c.3511G>A, p.Asp1171Asn (NM_001199400.3); c.3727G>A, p.Asp1243Asn (NM_001374418.1); c.3643G>A, p.Asp1215Asn (NM_001374419.1, NM_012224.4); c.3592G>A, p.Asp1198Asn (NM_001374420.1); c.3244G>A, p.Asp1082Asn (NM_001374421.1); short protein forms D1082N, D1146N, D1215N, D1171N, D1198N, D1199N, D1243N.
Identifiers: ClinVar variation 1991201 (VCV001991201.4), dbSNP rs542986015, ClinGen allele CA358799901.
Genomic context (GRCh38, chr4:169,400,345, plus strand): 5'-GTTCATTTCCCAAAATATTTTGAACTATTTTTGAACAAATTTCAATATTTTCATCTTCAT[C>T]TTCATGAATAGCCTATACCAAATTCCCAAATATAAATTAATATTTGAATAACTTTCTGTA-3'
Protein context (NP_001186326.1, residues 1233-1253): VYEKIKAIHE[Asp1243Asn]EDENIEICSK